The following is an entry in ClinVar:

ClinVar aggregate classification (germline): Conflicting classifications of pathogenicity. Review status: criteria provided, conflicting classifications (1 of 4 stars). 4 submissions from 4 submitters: Uncertain significance (3); Likely benign (1). Last evaluated 2025-07-11.

Conditions:
RYR1-related disorder. Also called: RYR1-related disorders; RYR1-related condition. Identifiers: MedGen CN239331.
Malignant hyperthermia, susceptibility to, 1 (MHS1). Also called: RYR1-Related Malignant Hyperthermia Susceptibility; Anesthesia related hyperthermia; Malignant hyperpyrexia; Fulminating hyperpyrexia; Pharmacogenic myopathy; Malignant hyperthermia suceptibility 1. Identifiers: Orphanet 423, MedGen C2930980, MONDO:0007783, OMIM 145600.

Allele frequency attached by ClinVar (database versions not stated): ESP Exome Variant Server 0.00008.
gnomAD v4.1: 6 of 1,614,084 alleles (0.00037%); highest among the groups gnomAD compares: Non-Finnish European, 0.00042%; no homozygotes.

Submissions (4):

GeneDx
Classification: Uncertain significance. Last evaluated: 2025-07-11. Review status: criteria provided, single submitter. Criteria: GeneDx Variant Classification Process June 2021. Collection method: clinical testing. Allele origin: germline. Affected: yes.
Comment: Not observed at significant frequency in large population cohorts (gnomAD); In silico analysis suggests that this missense variant does not alter protein structure/function; Has not been previously published as pathogenic or benign to our knowledge

Color Diagnostics, LLC DBA Color Health
Classification: Likely benign for Malignant hyperthermia, susceptibility to, 1. Last evaluated: 2025-06-02. Review status: criteria provided, single submitter. Criteria: ACMG Guidelines, 2015. Collection method: clinical testing. Allele origin: germline.

All of Us Research Program, National Institutes of Health
Classification: Uncertain significance for Malignant hyperthermia, susceptibility to, 1. Last evaluated: 2023-03-04. Review status: criteria provided, single submitter. Criteria: ACMG Guidelines, 2015. Collection method: clinical testing. Allele origin: germline. Inheritance: Autosomal dominant inheritance. Observed: 2 variant alleles, 2 heterozygotes.
Comment: This missense variant replaces serine with arginine at codon 1975 of the RYR1 protein. Computational prediction suggests that this variant may not impact protein structure and function (internally defined REVEL score threshold <= 0.5, PMID: 27666373). To our knowledge, functional studies have not been reported for this variant. This variant has not been reported in individuals affected with RYR1-related disorders in the literature. This variant has been identified in 2/251338 chromosomes in the general population by the Genome Aggregation Database (gnomAD). The available evidence is insufficient to determine the role of this variant in disease conclusively. Therefore, this variant is classified as a Variant of Uncertain Significance.

This study involves interpretation of variants in research participants for the purpose of population health screening. Participant phenotype was not available at the time of variant classification. Additional details can be found in publication PMID: 35346344, PMCID: PMC8962531

Labcorp Genetics (formerly Invitae), Labcorp
Classification: Uncertain significance for RYR1-related disorder. Last evaluated: 2022-06-30. Review status: criteria provided, single submitter. Criteria: Invitae Variant Classification Sherloc (09022015). Collection method: clinical testing. Allele origin: germline.
Comment: This variant has not been reported in the literature in individuals affected with RYR1-related conditions. This sequence change replaces serine, which is neutral and polar, with arginine, which is basic and polar, at codon 1975 of the RYR1 protein (p.Ser1975Arg). This variant is present in population databases (rs141689968, gnomAD 0.002%). Advanced modeling of protein sequence and biophysical properties (such as structural, functional, and spatial information, amino acid conservation, physicochemical variation, residue mobility, and thermodynamic stability) performed at Invitae indicates that this missense variant is not expected to disrupt RYR1 protein function. In summary, the available evidence is currently insufficient to determine the role of this variant in disease. Therefore, it has been classified as a Variant of Uncertain Significance.

NM_000540.3(RYR1):c.5925C>A (p.Ser1975Arg)

Gene: RYR1 (ryanodine receptor 1; plus strand). Cytogenetic location: 19q13.2.
Variant type: single nucleotide variant.
Coding change: c.5925C>A on transcript NM_000540.3 (MANE Select); coding-DNA position 5925, C replaced by A.
Protein change: p.Ser1975Arg; replaces serine 1975 with arginine.
Molecular consequence: missense variant.
Genome position (GRCh38, 1-based): chr19:38,490,186, C>A. VCF-style: chr19-38490186-C-A. GRCh37 (hg19) VCF-style: chr19-38980826-C-A.
Other names: c.5925C>A, p.Ser1975Arg (NM_001042723.2); short protein forms S1975R.
Identifiers: ClinVar variation 1974436 (VCV001974436.8), dbSNP rs141689968, ClinGen allele CA067559.